The following is an entry in ClinVar:

NM_001329943.3(KIAA0586):c.2092G>T (p.Asp698Tyr)

Gene: KIAA0586 (KIAA0586; plus strand). Cytogenetic location: 14q23.1.
Variant type: single nucleotide variant.
Coding change: c.2092G>T on transcript NM_001329943.3 (MANE Select); coding-DNA position 2092, G replaced by T.
Protein change: p.Asp698Tyr; replaces aspartic acid 698 with tyrosine.
Molecular consequence: missense variant.
Genome position (GRCh38, 1-based): chr14:58,465,867, G>T. VCF-style: chr14-58465867-G-T. GRCh37 (hg19) VCF-style: chr14-58932585-G-T.
Other names: c.2251G>T, p.Asp751Tyr (NM_001244189.2); c.2047G>T, p.Asp683Tyr (NM_001244190.2); c.1837G>T, p.Asp613Tyr (NM_001244191.2, NM_001329945.2, NM_001364700.1 and 1 more transcripts); c.1960G>T, p.Asp654Tyr (NM_001244192.2); c.1672G>T, p.Asp558Tyr (NM_001244193.2); c.2092G>T, p.Asp698Tyr (NM_001329944.2, NM_001329946.2, NM_001329947.2); c.1864G>T, p.Asp622Tyr (NM_014749.5); c.1864G>T (NM_014749.3); short protein forms D558Y, D613Y, D622Y, D683Y, D698Y, D751Y, D654Y.
Identifiers: ClinVar variation 1523259 (VCV001523259.9), dbSNP rs371583234, ClinGen allele CA261631459.

ClinVar aggregate classification (germline): Uncertain significance. Review status: criteria provided, multiple submitters, no conflicts (2 of 4 stars). 2 submissions from 2 submitters: Uncertain significance (2). Last evaluated 2025-11-16.

Conditions:
Short-rib thoracic dysplasia 14 with polydactyly (SRTD14). Identifiers: Orphanet 397715, MedGen C4225286, MONDO:0014688, OMIM 616546.
Joubert syndrome 23 (JBTS23). Identifiers: Orphanet 475, MedGen C4084822, MONDO:0014664, OMIM 616490.
Inborn genetic diseases. Identifiers: MedGen C0950123, MeSH D030342.

Allele frequency attached by ClinVar (database versions not stated): gnomAD 0.00004 and 0.00001; gnomAD exomes below 0.00001; TOPMed 0.00003.

Submissions (2):

Labcorp Genetics (formerly Invitae), Labcorp
Classification: Uncertain significance for Joubert syndrome 23; Short-rib thoracic dysplasia 14 with polydactyly. Last evaluated: 2025-11-16. Review status: criteria provided, single submitter. Criteria: Invitae Variant Classification Sherloc (09022015). Collection method: clinical testing. Allele origin: germline.
Comment: This sequence change replaces aspartic acid, which is acidic and polar, with tyrosine, which is neutral and polar, at codon 751 of the KIAA0586 protein (p.Asp751Tyr). This variant is not present in population databases (gnomAD no frequency). This variant has not been reported in the literature in individuals affected with KIAA0586-related conditions. ClinVar contains an entry for this variant (Variation ID: 1523259). Invitae Evidence Modeling of protein sequence and biophysical properties (such as structural, functional, and spatial information, amino acid conservation, physicochemical variation, residue mobility, and thermodynamic stability) indicates that this missense variant is expected to disrupt KIAA0586 protein function with a positive predictive value of 80%. In summary, the available evidence is currently insufficient to determine the role of this variant in disease. Therefore, it has been classified as a Variant of Uncertain Significance.

Ambry Genetics
Classification: Uncertain significance for Inborn genetic diseases. Last evaluated: 2025-03-22. Review status: criteria provided, single submitter. Criteria: Ambry Variant Classification Scheme 2023. Collection method: clinical testing. Allele origin: germline.